The following is an entry in ClinVar:

NM_000092.5(COL4A4):c.3005dup (p.Glu1003fs)

Gene: COL4A4 (collagen type IV alpha 4 chain; minus strand). Cytogenetic location: 2q36.3.
Variant type: Duplication.
Coding change: c.3005dup on transcript NM_000092.5 (MANE Select); coding-DNA position 3005, one base duplicated (G; older notation c.3005dupG).
Protein change: p.Glu1003fs; shifts the reading frame from glutamic acid 1003.
Molecular consequence: frameshift variant.
Genome position (GRCh38, 1-based): chr2:227,051,122, C duplicated on the plus strand (G on the coding strand, the reverse complement: COL4A4 is on the minus strand); the first of 2 consecutive C bases (chr2:227,051,122-227,051,123); duplicating either gives the same sequence. VCF-style (leftmost placement, unchanged base first): chr2-227051121-T-TC. GRCh37 (hg19) VCF-style: chr2-227915837-T-TC.
Other names: short protein forms E1003fs.
Identifiers: ClinVar variation 1726135 (VCV001726135.2), dbSNP rs2473974398, ClinGen allele CA2580065837.

ClinVar aggregate classification (germline): Likely pathogenic (1 of 4 stars; one submission).

Conditions:
Autosomal recessive Alport syndrome (ATS2). Also called: Alport syndrome type 2; COL4A4 Alport Syndrome and Thin Basement Membrane Nephropathy; ALPORT SYNDROME 2, AUTOSOMAL RECESSIVE; COL4A3-Related Nephropathy. Identifiers: Orphanet 63, Orphanet 88919, MedGen C4746745, MONDO:0008762, OMIM 203780.

Submission:

Myriad Genetics, Inc.
Classification: Likely pathogenic for Autosomal recessive Alport syndrome. Last evaluated: 2022-05-18. Review status: criteria provided, single submitter. Criteria: Myriad Women's Health Autosomal Recessive and X-Linked Classification Criteria (2021). Collection method: clinical testing. Allele origin: unknown.
Comment: NM_000092.4(COL4A4):c.3005dupG(E1003Rfs*17) is expected to be pathogenic in the context of COL4A4-related Alport syndrome. This variant is predicted to lead to an abnormal or absent protein product due to the creation of a premature termination codon in COL4A4, a gene where loss-of-function variants are known to be pathogenic. Please note: this variant was assessed in the context of healthy population screening.